The following is an entry in ClinVar:

ClinVar aggregate classification (germline): Uncertain significance (1 of 4 stars; one submission).

Conditions:
Cardiovascular phenotype. Identifiers: MedGen CN230736.

Submission:

Ambry Genetics
Classification: Uncertain significance for Cardiovascular phenotype. Last evaluated: 2024-09-04. Review status: criteria provided, single submitter. Criteria: Ambry Variant Classification Scheme 2023. Collection method: clinical testing. Allele origin: germline.
Comment: The p.S524C variant (also known as c.1571C>G), located in coding exon 11 of the CBL gene, results from a C to G substitution at nucleotide position 1571. The serine at codon 524 is replaced by cysteine, an amino acid with dissimilar properties. This amino acid position is conserved. In addition, this alteration is predicted to be tolerated by in silico analysis. Based on the available evidence, the clinical significance of this variant remains unclear.

NM_005188.4(CBL):c.1571C>G (p.Ser524Cys)

Gene: CBL (Cbl proto-oncogene; plus strand). Cytogenetic location: 11q23.3.
Variant type: single nucleotide variant.
Coding change: c.1571C>G on transcript NM_005188.4 (MANE Select); coding-DNA position 1571, C replaced by G.
Protein change: p.Ser524Cys; replaces serine 524 with cysteine.
Molecular consequence: missense variant.
Genome position (GRCh38, 1-based): chr11:119,285,196, C>G. VCF-style: chr11-119285196-C-G. GRCh37 (hg19) VCF-style: chr11-119155906-C-G.
Other names: short protein forms S524C.
Identifiers: ClinVar variation 3485587 (VCV003485587.1).